The following is an entry in ClinVar:

ClinVar aggregate classification (germline): Likely benign. Review status: criteria provided, multiple submitters, no conflicts (2 of 4 stars). 2 submissions from 2 submitters: Likely benign (2). Last evaluated 2025-09-14.

Conditions:
Familial cancer of breast. Also called: BREAST CANCER, FAMILIAL; hereditary breast carcinoma; Hereditary breast cancer. Identifiers: Orphanet 227535, MedGen C0346153, MONDO:0016419, OMIM 114480. Disease mechanism: loss of function.

Allele frequency attached by ClinVar (database versions not stated): gnomAD 0.00001.
gnomAD v4.1: 1 of 1,542,396 alleles (0.000065%); highest among the groups gnomAD compares: Non-Finnish European, 0.00009%; no homozygotes.

Submissions (2):

Labcorp Genetics (formerly Invitae), Labcorp
Classification: Likely benign for Familial cancer of breast. Last evaluated: 2025-09-14. Review status: criteria provided, single submitter. Criteria: Invitae Variant Classification Sherloc (09022015). Collection method: clinical testing. Allele origin: germline.

GeneDx
Classification: Likely benign. Last evaluated: 2017-08-25. Review status: criteria provided, single submitter. Criteria: GeneDx Variant Classification (06012015). Collection method: clinical testing. Allele origin: germline. Affected: yes.
Comment: This variant is considered likely benign or benign based on one or more of the following criteria: it is a conservative change, it occurs at a poorly conserved position in the protein, it is predicted to be benign by multiple in silico algorithms, and/or has population frequency not consistent with disease.

NM_024675.4(PALB2):c.2834+16G>A

Gene: PALB2 (partner and localizer of BRCA2; minus strand). Cytogenetic location: 16p12.2.
Variant type: single nucleotide variant.
Coding change: c.2834+16G>A on transcript NM_024675.4 (MANE Select); 16 bases into the intron after coding-DNA position 2834, G replaced by A.
Molecular consequence: intron variant.
Genome position (GRCh38, 1-based): chr16:23,623,993, C>T on the plus strand (G>A on the coding strand, the complement: PALB2 is on the minus strand). VCF-style: chr16-23623993-C-T. GRCh37 (hg19) VCF-style: chr16-23635314-C-T.
Identifiers: ClinVar variation 516438 (VCV000516438.7), dbSNP rs1218761844, ClinGen allele CA494181011.